The following is an entry in ClinVar:

NM_025243.4(SLC19A3):c.1355T>C (p.Ile452Thr)

Gene: SLC19A3 (solute carrier family 19 member 3; minus strand). Cytogenetic location: 2q36.3.
Variant type: single nucleotide variant.
Coding change: c.1355T>C on transcript NM_025243.4 (MANE Select); coding-DNA position 1355, T replaced by C.
Protein change: p.Ile452Thr; replaces isoleucine 452 with threonine.
Molecular consequence: missense variant.
Genome position (GRCh38, 1-based): chr2:227,687,533, A>G on the plus strand (T>C on the coding strand, the complement: SLC19A3 is on the minus strand). VCF-style: chr2-227687533-A-G. GRCh37 (hg19) VCF-style: chr2-228552249-A-G.
Other names: c.1355T>C, p.Ile452Thr (NM_001371411.1, NM_001371412.1); c.1343T>C, p.Ile448Thr (NM_001371413.1, NM_001371414.1); c.1355T>C (NM_025243.3); short protein forms I448T, I452T.
Identifiers: ClinVar variation 1054439 (VCV001054439.5), dbSNP rs140706520, ClinGen allele CA2149089.

ClinVar aggregate classification (germline): Uncertain significance. Review status: criteria provided, multiple submitters, no conflicts (2 of 4 stars). 2 submissions from 2 submitters: Uncertain significance (2). Last evaluated 2024-05-24.

Conditions:
Biotin-responsive basal ganglia disease (BTBGD). Also called: Thiamine Transporter-2 Deficiency; THIAMINE METABOLISM DYSFUNCTION SYNDROME 2 (BIOTIN- AND THIAMINE-RESPONSIVE TYPE); Thiamine metabolism dysfunction syndrome 2 (biotin- or thiamine-responsive encephalopathy type 2); thiamine-responsive encephalopathy; Thiamine metabolism dysfunction syndrome type 2. Identifiers: Orphanet 199348, Orphanet 65284, MedGen C1843807, MONDO:0011841, OMIM 607483.
Inborn genetic diseases. Identifiers: MedGen C0950123, MeSH D030342.

Allele frequency attached by ClinVar (database versions not stated): gnomAD exomes 0.00001 and 0.00002; ExAC 0.00003; gnomAD 0.00003 and 0.00005; TOPMed 0.00008; ESP Exome Variant Server 0.00015.

Submissions (2):

Ambry Genetics
Classification: Uncertain significance for Inborn genetic diseases. Last evaluated: 2024-05-24. Review status: criteria provided, single submitter. Criteria: Ambry Variant Classification Scheme 2023. Collection method: clinical testing. Allele origin: germline.

Labcorp Genetics (formerly Invitae), Labcorp
Classification: Uncertain significance for Biotin-responsive basal ganglia disease. Last evaluated: 2022-06-04. Review status: criteria provided, single submitter. Criteria: Invitae Variant Classification Sherloc (09022015). Collection method: clinical testing. Allele origin: germline.
Comment: This sequence change replaces isoleucine, which is neutral and non-polar, with threonine, which is neutral and polar, at codon 452 of the SLC19A3 protein (p.Ile452Thr). This variant is present in population databases (rs140706520, gnomAD 0.02%). This variant has not been reported in the literature in individuals affected with SLC19A3-related conditions. ClinVar contains an entry for this variant (Variation ID: 1054439). Advanced modeling of protein sequence and biophysical properties (such as structural, functional, and spatial information, amino acid conservation, physicochemical variation, residue mobility, and thermodynamic stability) performed at Invitae indicates that this missense variant is expected to disrupt SLC19A3 protein function. In summary, the available evidence is currently insufficient to determine the role of this variant in disease. Therefore, it has been classified as a Variant of Uncertain Significance.